The following is an entry in ClinVar:

NM_000179.3(MSH6):c.2386_2387del (p.Glu796fs)

Gene: MSH6 (mutS homolog 6; plus strand). Cytogenetic location: 2p16.3.
Variant type: Deletion.
Coding change: c.2386_2387del on transcript NM_000179.3 (MANE Select); coding-DNA positions 2386 to 2387, 2 bases deleted (GA; older notation c.2386_2387delGA).
Protein change: p.Glu796fs; shifts the reading frame from glutamic acid 796.
Molecular consequence: frameshift variant. On other transcripts: non-coding transcript variant (5), intron variant (3).
Genome position (GRCh38, 1-based): chr2:47,800,369-47,800,370, GA deleted; deleting any 2 consecutive bases within chr2:47,800,368-47,800,370 gives the same sequence; the c. name uses the placement nearest the transcript's 3' end. VCF-style (leftmost placement, unchanged base first): chr2-47800367-TAG-T. GRCh37 (hg19) VCF-style: chr2-48027506-TAG-T.
Other names: c.1480_1481del, p.Glu494fs (NM_001406816.1, NM_001406823.1, NM_001406829.1 and 6 more transcripts); c.2089_2090del, p.Glu697fs (NM_001406818.1, NM_001406819.1, NM_001406820.1 and 10 more transcripts); c.2218_2219del, p.Glu740fs (NM_001406826.1); c.2308+78_2308+79del (NM_001406803.1); c.1606+780_1606+781del (NM_001406817.1); c.628-297_628-296del (NM_001407362.1); c.1996_1997del, p.Glu666fs (NM_001281492.2); c.2482_2483del, p.Glu828fs (NM_001406795.1, NM_001406802.1); and 4 more; short protein forms E494fs, E621fs, E666fs, E697fs, E740fs, E770fs, E796fs, E798fs.
Identifiers: ClinVar variation 2673713 (VCV002673713.1), dbSNP rs2530668842, ClinGen allele CA2695200533.

ClinVar aggregate classification (germline): Pathogenic (1 of 4 stars; one submission).

Conditions:
Lynch syndrome 5 (LYNCH5). Also called: Colorectal cancer, hereditary nonpolyposis, type 5; Hereditary non-polyposis colorectal cancer, type 5. Identifiers: Orphanet 144, MedGen C1833477, MONDO:0013710, OMIM 614350. Disease mechanism: loss of function.

Submission:

Myriad Genetics, Inc.
Classification: Pathogenic for Lynch syndrome 5. Last evaluated: 2023-08-17. Review status: criteria provided, single submitter. Criteria: Myriad Autosomal Dominant, Autosomal Recessive and X-Linked Classification Criteria (2023). Collection method: clinical testing. Allele origin: unknown.
Comment: This variant is considered pathogenic. This variant creates a frameshift predicted to result in premature protein truncation.